The following is an entry in ClinVar:

ClinVar aggregate classification (germline): Uncertain significance (0 of 4 stars; one submission).

Allele frequency attached by ClinVar (database versions not stated): gnomAD 0.00008; gnomAD exomes 0.00010 and 0.00020; ExAC 0.00029; 1000 Genomes Project 30x 0.00031; 1000 Genomes Project 0.00040.
gnomAD v4.1: 160 of 1,594,878 alleles (0.01%); highest among the groups gnomAD compares: South Asian, 0.17%; 1 homozygote.

Submission:

Department of Pathology and Laboratory Medicine, Sinai Health System
Classification: Uncertain significance. Review status: no assertion criteria provided. Collection method: clinical testing. Allele origin: unknown. Affected: yes. Study: The Canadian Open Genetics Repository (COGR).
Comment: The RFC1 p.M751V variant was not identified in the literature nor was it identified in ClinVar, Cosmic, or LOVD 3.0. The variant was identified in dbSNP (ID: rs558110225) and in control databases in 47 of 232218 chromosomes (0 homozygous) at a frequency of 0.000202 (Genome Aggregation Database March 6, 2019, v2.1.1). The variant was observed in the following populations: South Asian in 44 of 25694 chromosomes (freq: 0.001712), Other in 1 of 5622 chromosomes (freq: 0.000178), East Asian in 1 of 17334 chromosomes (freq: 0.000058) and European (non-Finnish) in 1 of 108174 chromosomes (freq: 0.000009), but was not observed in the African, Latino, Ashkenazi Jewish, and European (Finnish) populations. The p.Met751 residue is conserved in mammals and computational analyses (PolyPhen-2, SIFT, AlignGVGD, BLOSUM, MutationTaster) provide inconsistent predictions regarding the impact to the protein; this information is not very predictive of pathogenicity. The variant occurs outside of the splicing consensus sequence and three of four in silico or computational prediction software programs (SpliceSiteFinder, MaxEntScan, NNSPLICE, GeneSplicer) do not predict a difference in splicing. In summary, based on the above information the clinical significance of this variant cannot be determined with certainty at this time. This variant is classified as a variant of uncertain significance.

NM_002913.5(RFC1):c.2248A>G (p.Met750Val)

Gene: RFC1 (replication factor C subunit 1; minus strand). Cytogenetic location: 4p14.
Variant type: single nucleotide variant.
Coding change: c.2248A>G on transcript NM_002913.5 (MANE Select); coding-DNA position 2248, A replaced by G.
Protein change: p.Met750Val; replaces methionine 750 with valine.
Molecular consequence: missense variant.
Genome position (GRCh38, 1-based): chr4:39,302,829, T>C on the plus strand (A>G on the coding strand, the complement: RFC1 is on the minus strand). VCF-style: chr4-39302829-T-C. GRCh37 (hg19) VCF-style: chr4-39304449-T-C.
Other names: c.2251A>G, p.Met751Val (NM_001204747.2); c.2170A>G, p.Met724Val (NM_001363495.2); c.2173A>G, p.Met725Val (NM_001363496.2); short protein forms M724V, M725V, M750V, M751V.
Identifiers: ClinVar variation 1049965 (VCV001049965.1), dbSNP rs558110225, ClinGen allele CA2892903.